The following continues an entry in ClinVar:

NM_000275.3(OCA2):c.1320G>C (p.Leu440Phe)

Gene: OCA2. ClinVar aggregate classification (germline): Conflicting classifications of pathogenicity. Pathogenic (5); Likely pathogenic (5); Uncertain significance (6); Likely benign (1).

Submissions 8 to 17 of 17:

New York Genome Center
Classification: Likely pathogenic for Tyrosinase-positive oculocutaneous albinism. Last evaluated: 2024-11-19. Review status: criteria provided, single submitter. Criteria: NYGC Assertion Criteria 2020. Collection method: clinical testing. Allele origin: inherited. Observed: 1 variant allele, 1 heterozygote.
Comment: The heterozygous inherited c.1320G>C variant in OCA2 has previously been reported in both homozygous and compound heterozygous state in multiple individuals with Oculocutaneous albinism [PMID: 18326704, 29345414, 32830442, 38219857] and it has been deposited multiple times with conflicting interpretations of pathogenicity as Pathogenic (2) Likely pathogenic (2) and Uncertain significance (4) with affected status provided by single submitter in ClinVar [ClinVar ID: 255719]. The c.1320G>C variant is observed in 286 alleles (~0.036% minor allele frequency with 0 homozygotes) in population databases (gnomAD v4.1.0(non-UKB)), suggesting it is not a common benign variant in the populations represented in those databases. The c.1320G>C variant in OCA2 is located in exon 13 of this 24-exon gene and predicted to replace an evolutionarily conserved leucine amino acid with phenylalanine at position 440 in the P-permease domain (338-829aa) [PMID: 34707637] of the encoded protein. In silico predictions are in favor of damaging effect for p.(Leu440Phe) variant [(CADD v1.6 = 23.6, REVEL = 0.658, AlphaMissense=0.787)]; however, there are no functional studies to support or refute these predictions. Variants ((p.Val443Ile)) nearby p. (Leu440) residue within the P-permease domain have been reported in the literature [PMID: 32830442] and ClinVar [ClinVar ID: 955] in individuals with OCA2 related Oculocutaneous albinism. Based on available evidence this inherited c.1320G>C, p.(Leu440Phe) variant identified in OCA2 gene is classified as Likely Pathogenic.

Blueprint Genetics
Classification: Pathogenic for OCA2-related disorders. Last evaluated: 2024-10-04. Review status: criteria provided, single submitter. Criteria: ACMG Guidelines, 2015. Collection method: clinical testing. Allele origin: germline. Affected: yes. Observed: 5 variant alleles.

Fulgent Genetics
Classification: Likely pathogenic for Tyrosinase-positive oculocutaneous albinism; SKIN/HAIR/EYE PIGMENTATION 1, BLUE/NONBLUE EYES. Last evaluated: 2024-06-11. Review status: criteria provided, single submitter. Criteria: ACMG Guidelines, 2015. Collection method: clinical testing. Allele origin: germline.

Revvity Omics, Revvity
Classification: Likely pathogenic. Last evaluated: 2024-04-11. Review status: criteria provided, single submitter. Criteria: ACMG Guidelines, 2015. Collection method: clinical testing. Allele origin: germline.

Baylor Genetics
Classification: Pathogenic for SKIN/HAIR/EYE PIGMENTATION 1, BLUE/NONBLUE EYES. Last evaluated: 2024-03-26. Review status: criteria provided, single submitter. Criteria: ACMG Guidelines, 2015. Collection method: clinical testing. Allele origin: unknown.

Department of Pathology and Laboratory Medicine, Sinai Health System
Classification: Uncertain significance for Tyrosinase-positive oculocutaneous albinism. Last evaluated: 2022-07-07. Review status: criteria provided, single submitter. Criteria: ACMG Guidelines, 2015. Collection method: research. Allele origin: germline.

Genome-Nilou Lab
Classification: Uncertain significance for Tyrosinase-positive oculocutaneous albinism. Last evaluated: 2021-11-07. Review status: criteria provided, single submitter. Criteria: ACMG Guidelines, 2015. Collection method: clinical testing. Allele origin: germline. Affected: no.

Illumina Laboratory Services, Illumina
Classification: Uncertain significance for Tyrosinase-positive oculocutaneous albinism. Last evaluated: 2017-04-27. Review status: criteria provided, single submitter. Criteria: ICSL Variant Classification Criteria 13 December 2019. Collection method: clinical testing. Allele origin: germline.

Eurofins Ntd Llc (ga)
Classification: Likely benign. Last evaluated: 2017-03-27. Review status: criteria provided, single submitter. Criteria: EGL Classification Definitions 2015. Collection method: clinical testing. Allele origin: germline. Observed: 1 variant allele, 1 homozygote.

Genetic Services Laboratory, University of Chicago
Classification: Uncertain significance. Last evaluated: 2016-12-14. Review status: criteria provided, single submitter. Criteria: ACMG Guidelines, 2015. Collection method: clinical testing. Allele origin: germline. Affected: no.

Literature cited by the submitters: PubMed 29345414 (cited by 6 submitters); PubMed 38219857 (cited by 4 submitters); PubMed 18463683 (cited by Ambry Genetics and Labcorp Genetics (formerly Invitae), Labcorp); PubMed 23504663 (cited by Ambry Genetics); PubMed 32830442 (cited by Ambry Genetics and New York Genome Center); PubMed 18326704 (cited by Labcorp Genetics (formerly Invitae), Labcorp and New York Genome Center); PubMed 41428507 (cited by Laboratory of Genetic Epidemiology, Research Centre for Medical Genetics).